The following is an entry in ClinVar:

NM_000179.3(MSH6):c.3557-144G>A

Gene: MSH6 (mutS homolog 6; plus strand). Cytogenetic location: 2p16.3.
Variant type: single nucleotide variant.
Coding change: c.3557-144G>A on transcript NM_000179.3 (MANE Select); 144 bases into the intron before coding-DNA position 3557, G replaced by A.
Molecular consequence: intron variant.
Genome position (GRCh38, 1-based): chr2:47,805,474, G>A. VCF-style: chr2-47805474-G-A. GRCh37 (hg19) VCF-style: chr2-48032613-G-A.
Other names: c.2651-144G>A (NM_001281493.2, NM_001281494.2); c.3167-144G>A (NM_001281492.2).
Identifiers: ClinVar variation 595919 (VCV000595919.16), dbSNP rs7562367, ClinGen allele CA11066687.

ClinVar aggregate classification (germline): Benign. Review status: criteria provided, multiple submitters, no conflicts (2 of 4 stars). 3 submissions from 3 submitters: Benign (3). Last evaluated 2026-02-02.

Conditions:
Hereditary nonpolyposis colorectal neoplasms. Identifiers: MedGen C0009405, MeSH D003123.

Allele frequency attached by ClinVar (database versions not stated): TOPMed 0.72090; 1000 Genomes Project 30x 0.76686; 1000 Genomes Project 0.76957; gnomAD exomes 0.68254; gnomAD 0.71536 and 0.71590.
gnomAD v4.1: 477,482 of 692,022 alleles (69%); highest among the groups gnomAD compares: East Asian, 86%; 166,654 homozygotes.

Submissions (3):

Labcorp Genetics (formerly Invitae), Labcorp
Classification: Benign for Hereditary nonpolyposis colorectal neoplasms. Last evaluated: 2026-02-02. Review status: criteria provided, single submitter. Criteria: Invitae Variant Classification Sherloc (09022015). Collection method: clinical testing. Allele origin: germline.

GeneDx
Classification: Benign. Last evaluated: 2018-06-21. Review status: criteria provided, single submitter. Criteria: GeneDx Variant Classification Process June 2021. Collection method: clinical testing. Allele origin: germline. Affected: yes.
Comment: This variant is associated with the following publications: (PMID: 28874130)

Eurofins Ntd Llc (ga)
Classification: Benign. Last evaluated: 2018-01-30. Review status: criteria provided, single submitter. Criteria: EGL Classification Definitions 2015. Collection method: clinical testing. Allele origin: germline. Observed: 1 variant allele, 1 heterozygote.